The following is an entry in ClinVar:

ClinVar aggregate classification (germline): Likely benign (1 of 4 stars; one submission).

Allele frequency attached by ClinVar (database versions not stated): gnomAD 0.00001; ExAC 0.00002; gnomAD exomes 0.00002; TOPMed 0.00004.

Submission:

CeGaT Center for Human Genetics Tuebingen
Classification: Likely benign. Last evaluated: 2022-07-01. Review status: criteria provided, single submitter. Criteria: CeGaT Center For Human Genetics Tuebingen Variant Classification Criteria Version 2. Collection method: clinical testing. Allele origin: germline. Affected: yes. Observed: 1 variant allele.
Comment: LRP1: BP4, BP7

NM_002332.3(LRP1):c.1545C>T (p.Asp515=)

Gene: LRP1 (LDL receptor related protein 1; plus strand). Cytogenetic location: 12q13.3.
Variant type: single nucleotide variant.
Coding change: c.1545C>T on transcript NM_002332.3 (MANE Select); coding-DNA position 1545, C replaced by T.
Protein change: p.Asp515=; no amino-acid change (aspartic acid 515 retained).
Molecular consequence: synonymous variant.
Genome position (GRCh38, 1-based): chr12:57,156,904, C>T. VCF-style: chr12-57156904-C-T. GRCh37 (hg19) VCF-style: chr12-57550687-C-T.
Identifiers: ClinVar variation 2643112 (VCV002643112.24), dbSNP rs775741775, ClinGen allele CA6642567.